The following is an entry in ClinVar:

NM_007126.5(VCP):c.636G>C (p.Gln212His)

Gene: VCP (valosin containing protein; minus strand). Cytogenetic location: 9p13.3.
Variant type: single nucleotide variant.
Coding change: c.636G>C on transcript NM_007126.5 (MANE Select); coding-DNA position 636, G replaced by C.
Protein change: p.Gln212His; replaces glutamine 212 with histidine.
Molecular consequence: missense variant.
Genome position (GRCh38, 1-based): chr9:35,064,226, C>G on the plus strand (G>C on the coding strand, the complement: VCP is on the minus strand). VCF-style: chr9-35064226-C-G. GRCh37 (hg19) VCF-style: chr9-35064223-C-G.
Other names: c.501G>C, p.Gln167His (NM_001354927.2, NM_001354928.2); short protein forms Q167H, Q212H.
Identifiers: ClinVar variation 1992562 (VCV001992562.4), dbSNP rs2490363510, ClinGen allele CA373286823.

ClinVar aggregate classification (germline): Uncertain significance (1 of 4 stars; one submission).

Conditions:
Frontotemporal dementia and/or amyotrophic lateral sclerosis 6 (FTDALS6). Also called: VCP-Related Amyotrophic Lateral Sclerosis/Frontotemporal Dementia; VCP-Related Amyotrophic Lateral Sclerosis. Identifiers: Orphanet 275872, Orphanet 803, MedGen C5436279, MONDO:0013501, OMIM 613954.
Inclusion body myopathy with Paget disease of bone and frontotemporal dementia. Also called: Inclusion body myopathy with early-onset Paget disease and frontotemporal dementia. Identifiers: Orphanet 52430, MedGen C1833662, MONDO:0000507.

Submission:

Labcorp Genetics (formerly Invitae), Labcorp
Classification: Uncertain significance for Inclusion body myopathy with Paget disease of bone and frontotemporal dementia; Frontotemporal dementia and/or amyotrophic lateral sclerosis 6. Last evaluated: 2022-05-09. Review status: criteria provided, single submitter. Criteria: Invitae Variant Classification Sherloc (09022015). Collection method: clinical testing. Allele origin: germline.
Comment: In summary, the available evidence is currently insufficient to determine the role of this variant in disease. Therefore, it has been classified as a Variant of Uncertain Significance. Advanced modeling of protein sequence and biophysical properties (such as structural, functional, and spatial information, amino acid conservation, physicochemical variation, residue mobility, and thermodynamic stability) performed at Invitae indicates that this missense variant is not expected to disrupt VCP protein function. This variant has not been reported in the literature in individuals affected with VCP-related conditions. This variant is not present in population databases (gnomAD no frequency). This sequence change replaces glutamine, which is neutral and polar, with histidine, which is basic and polar, at codon 212 of the VCP protein (p.Gln212His).